The following is an entry in ClinVar:

ClinVar aggregate classification (germline): Uncertain significance (1 of 4 stars; one submission).

Submission:

Labcorp Genetics (formerly Invitae), Labcorp
Classification: Uncertain significance. Last evaluated: 2022-12-30. Review status: criteria provided, single submitter. Criteria: Invitae Variant Classification Sherloc (09022015). Collection method: clinical testing. Allele origin: germline.
Comment: This variant is not present in population databases (gnomAD no frequency). This sequence change replaces aspartic acid, which is acidic and polar, with glutamic acid, which is acidic and polar, at codon 3551 of the KMT2A protein (p.Asp3551Glu). In summary, the available evidence is currently insufficient to determine the role of this variant in disease. Therefore, it has been classified as a Variant of Uncertain Significance. Advanced modeling of protein sequence and biophysical properties (such as structural, functional, and spatial information, amino acid conservation, physicochemical variation, residue mobility, and thermodynamic stability) performed at Invitae indicates that this missense variant is not expected to disrupt KMT2A protein function. This variant has not been reported in the literature in individuals affected with KMT2A-related conditions.

NM_001197104.2(KMT2A):c.10653C>A (p.Asp3551Glu)

Gene: KMT2A (lysine methyltransferase 2A; plus strand). Cytogenetic location: 11q23.3.
Variant type: single nucleotide variant.
Coding change: c.10653C>A on transcript NM_001197104.2 (MANE Select); coding-DNA position 10653, C replaced by A.
Protein change: p.Asp3551Glu; replaces aspartic acid 3551 with glutamic acid.
Molecular consequence: missense variant.
Genome position (GRCh38, 1-based): chr11:118,506,545, C>A. VCF-style: chr11-118506545-C-A. GRCh37 (hg19) VCF-style: chr11-118377260-C-A.
Other names: c.10743C>A, p.Asp3581Glu (NM_001412597.1); c.10644C>A, p.Asp3548Glu (NM_005933.4); short protein forms D3551E, D3581E, D3548E.
Identifiers: ClinVar variation 2807155 (VCV002807155.3), dbSNP rs2497033170, ClinGen allele CA382826639.
Genomic context (GRCh38, chr11:118,506,545, plus strand): 5'-TTCAGTGCCGGGTCCCACTAAACCCAAACCAAAAACCAAACGGTTTCAGCTGCCTCTAGA[C>A]AAAGGGAATGGCAAGAAGCACAAAGTTTCCCATTTGCGGACCAGTTCTTCTGAAGCACAC-3'
Protein context (NP_001184033.1, residues 3541-3561): PKTKRFQLPL[Asp3551Glu]KGNGKKHKVS